The following is an entry in ClinVar:

ClinVar aggregate classification (germline): Benign/Likely benign. Review status: criteria provided, multiple submitters, no conflicts (2 of 4 stars). 5 submissions from 5 submitters: Benign (1); Likely benign (4). Last evaluated 2026-01-19.

Conditions:
Inborn genetic diseases. Identifiers: MedGen C0950123, MeSH D030342.
CHARGE syndrome (CHARGE). Also called: CHARGE ASSOCIATION--COLOBOMA, HEART ANOMALY, CHOANAL ATRESIA, RETARDATION, GENITAL AND EAR ANOMALIES; Coloboma, heart anomaly, choanal atresia, retardation, genital and ear anomalies; CHARGE association; Hall-Hittner syndrome; Hittner Hirsch Kreh syndrome. Identifiers: Orphanet 138, MedGen C0265354, MONDO:0008965.

Allele frequency attached by ClinVar (database versions not stated): ESP Exome Variant Server 0.00008; 1000 Genomes Project 30x 0.00016; TOPMed 0.00017; 1000 Genomes Project 0.00020; gnomAD 0.00021 and 0.00023; gnomAD exomes 0.00021 and 0.00036; ExAC 0.00027.
gnomAD v4.1: 541 of 1,613,670 alleles (0.034%); highest among the groups gnomAD compares: Non-Finnish European, 0.044%; 2 homozygotes.

Submissions (5):

Labcorp Genetics (formerly Invitae), Labcorp
Classification: Benign for CHARGE syndrome. Last evaluated: 2026-01-19. Review status: criteria provided, single submitter. Criteria: Invitae Variant Classification Sherloc (09022015). Collection method: clinical testing. Allele origin: germline.

CeGaT Center for Human Genetics Tuebingen
Classification: Likely benign. Last evaluated: 2025-11-01. Review status: criteria provided, single submitter. Criteria: CeGaT Center For Human Genetics Tuebingen Variant Classification Criteria Version 2. Collection method: clinical testing. Allele origin: germline. Affected: yes. Observed: 2 variant alleles.
Comment: CHD7: BP4, BP7

Blueprint Genetics
Classification: Likely benign. Last evaluated: 2024-09-11. Review status: criteria provided, single submitter. Criteria: ACMG Guidelines, 2015. Collection method: clinical testing. Allele origin: germline.

GeneDx
Classification: Likely benign. Last evaluated: 2022-04-25. Review status: criteria provided, single submitter. Criteria: GeneDx Variant Classification Process June 2021. Collection method: clinical testing. Allele origin: germline. Affected: yes.
Comment: See Variant Classification Assertion Criteria.

Ambry Genetics
Classification: Likely benign for Inborn genetic diseases. Last evaluated: 2017-04-27. Review status: criteria provided, single submitter. Criteria: Ambry Variant Classification Scheme 2023. Collection method: clinical testing. Allele origin: germline.

NM_017780.4(CHD7):c.3222C>T (p.Ser1074=)

Gene: CHD7 (chromodomain helicase DNA binding protein 7; plus strand). Cytogenetic location: 8q12.2.
Variant type: single nucleotide variant.
Coding change: c.3222C>T on transcript NM_017780.4 (MANE Select); coding-DNA position 3222, C replaced by T.
Protein change: p.Ser1074=; no amino-acid change (serine 1074 retained).
Molecular consequence: synonymous variant. On other transcripts: intron variant (1).
Genome position (GRCh38, 1-based): chr8:60,823,860, C>T. VCF-style: chr8-60823860-C-T. GRCh37 (hg19) VCF-style: chr8-61736419-C-T.
Other names: c.1717-38369C>T (NM_001316690.1).
Identifiers: ClinVar variation 363458 (VCV000363458.48), dbSNP rs199675568, ClinGen allele CA4759917.